The following is an entry in ClinVar:

ClinVar aggregate classification (germline): Likely pathogenic. Review status: criteria provided, multiple submitters, no conflicts (2 of 4 stars). 2 submissions from 2 submitters: Likely pathogenic (2). Last evaluated 2025-09-20.

Conditions:
Cardiovascular phenotype. Identifiers: MedGen CN230736.
Hypertrophic cardiomyopathy. Also called: HYPERTROPHIC MYOCARDIOPATHY. Identifiers: Orphanet 217569, MedGen C0007194, MeSH D002312, MONDO:0005045, HP:0001639.

Submissions (2):

Labcorp Genetics (formerly Invitae), Labcorp
Classification: Likely pathogenic for Hypertrophic cardiomyopathy. Last evaluated: 2025-09-20. Review status: criteria provided, single submitter. Criteria: Invitae Variant Classification Sherloc (09022015). Collection method: clinical testing. Allele origin: germline.
Comment: This sequence change replaces isoleucine, which is neutral and non-polar, with threonine, which is neutral and polar, at codon 836 of the MYH7 protein (p.Ile836Thr). This variant is not present in population databases (gnomAD no frequency). This missense change has been observed in individuals with hypertrophic cardiomyopathy (PMID: 27600940). Invitae Evidence Modeling of protein sequence and biophysical properties (such as structural, functional, and spatial information, amino acid conservation, physicochemical variation, residue mobility, and thermodynamic stability) indicates that this missense variant is expected to disrupt MYH7 protein function with a positive predictive value of 95%. In summary, the currently available evidence indicates that the variant is pathogenic, but additional data are needed to prove that conclusively. Therefore, this variant has been classified as Likely Pathogenic.

Ambry Genetics
Classification: Likely pathogenic for Cardiovascular phenotype. Last evaluated: 2025-06-16. Review status: criteria provided, single submitter. Criteria: Ambry Variant Classification Scheme 2023. Collection method: clinical testing. Allele origin: germline.
Comment: The p.I836T variant (also known as c.2507T>C), located in coding exon 20 of the MYH7 gene, results from a T to C substitution at nucleotide position 2507. The isoleucine at codon 836 is replaced by threonine, an amino acid with similar properties. This alteration is located in the myosin head domain, which contains a statistically significant clustering of pathogenic missense variants (Homburger JR et al. Proc Natl Acad Sci U S A, 2016 06;113:6701-6; Walsh R et al. Genet Med, 2017 02;19:192-203; Ambry internal data). This variant was reported in individual(s) with features consistent with hypertrohic cardiomyopathy (HCM) (Cecconi M et al. Int J Mol Med, 2016 Oct;38:1111-24; Ambry internal data). This variant is considered to be rare based on population cohorts in the Genome Aggregation Database (gnomAD). This amino acid position is highly conserved in available vertebrate species. In addition, this alteration is predicted to be deleterious by in silico analysis. Based on the majority of available evidence to date, this variant is likely to be pathogenic.

Literature cited by the submitters: PubMed 27600940 (cited by Labcorp Genetics (formerly Invitae), Labcorp and Ambry Genetics).

NM_000257.4(MYH7):c.2507T>C (p.Ile836Thr)

Genes: MYH7 (myosin heavy chain 7; minus strand), LOC126861898 (BRD4-independent group 4 enhancer GRCh37_chr14:23893609-23894808; plus strand). Cytogenetic location: 14q11.2.
Variant type: single nucleotide variant.
Coding change: c.2507T>C on transcript NM_000257.4 (MANE Select); coding-DNA position 2507, T replaced by C.
Protein change: p.Ile836Thr; replaces isoleucine 836 with threonine.
Molecular consequence: missense variant.
Genome position (GRCh38, 1-based): chr14:23,424,941, A>G on the plus strand (T>C on the coding strand, the complement: MYH7 is on the minus strand). VCF-style: chr14-23424941-A-G. GRCh37 (hg19) VCF-style: chr14-23894150-A-G.
Other names: c.2507T>C, p.Ile836Thr (NM_001407004.1); short protein forms I836T.
Identifiers: ClinVar variation 4114870 (VCV004114870.2).